The following is an entry in ClinVar:

NM_002618.4(PEX13):c.1A>G (p.Met1Val)

Genes: PEX13 (peroxisomal biogenesis factor 13; plus strand), PUS10 (pseudouridine synthase 10; minus strand). Cytogenetic location: 2p15.
Variant type: single nucleotide variant.
Coding change: c.1A>G on transcript NM_002618.4 (MANE Select); coding-DNA position 1, A replaced by G.
Protein change: p.Met1Val; changes the start codon (methionine 1).
Molecular consequence: missense variant, initiator codon variant. On other transcripts: intron variant (2).
Genome position (GRCh38, 1-based): chr2:61,017,760, A>G. VCF-style: chr2-61017760-A-G. GRCh37 (hg19) VCF-style: chr2-61244895-A-G.
Other names: c.-16+248T>C (NM_144709.4); c.-623+248T>C (NM_001322127.1); short protein forms M1V.
Identifiers: ClinVar variation 1360335 (VCV001360335.5), dbSNP rs1201215154, ClinGen allele CA346936551.
Genomic context (GRCh38, chr2:61,017,760, plus strand): 5'-TGGTCTACGCGGGCCTGGACAGTCAGGGGTAGGAGCGGGAGCCGAGAGGAGGCGGAGGAG[A>G]TGGCGTCCCAGCCGCCACCTCCCCCCAAACCCTGGGAGACCCGCCGAATTCCGGGAGCCG-3'
Protein context (NP_002609.1, residues 1-11): [Met1Val]ASQPPPPPKP

ClinVar aggregate classification (germline): Uncertain significance (1 of 4 stars; one submission).

Conditions:
Peroxisome biogenesis disorder 11A (Zellweger). Also called: Peroxisome biogenesis disorder 11A. Identifiers: Orphanet 912, MedGen C3554000, MONDO:0013949, OMIM 614883.

Allele frequency attached by ClinVar (database versions not stated): gnomAD 0.00001; TOPMed 0.00001.
gnomAD v4.1: 28 of 1,548,654 alleles (0.0018%); highest among the groups gnomAD compares: Non-Finnish European, 0.0024%; no homozygotes.

Submission:

Labcorp Genetics (formerly Invitae), Labcorp
Classification: Uncertain significance for Peroxisome biogenesis disorder 11A (Zellweger). Last evaluated: 2022-02-10. Review status: criteria provided, single submitter. Criteria: Invitae Variant Classification Sherloc (09022015). Collection method: clinical testing. Allele origin: germline.
Comment: This sequence change affects the initiator methionine of the PEX13 mRNA. The next in-frame methionine is located at codon 40. This variant is present in population databases (no rsID available, gnomAD 0.002%). Disruption of the initiator codon has been observed in individual(s) with clinical features of Zellweger spectrum disorder (ZSD) (PMID: 34055681). Experimental studies and prediction algorithms are not available or were not evaluated, and the functional significance of this variant is currently unknown. Algorithms developed to predict the effect of sequence changes on RNA splicing suggest that this variant may create or strengthen a splice site. In summary, the available evidence is currently insufficient to determine the role of this variant in disease. Therefore, it has been classified as a Variant of Uncertain Significance.

Literature cited by the submitters: PubMed 34055681.